The following is an entry in ClinVar:

NM_000807.4(GABRA2):c.1333C>T (p.Pro445Ser)

Gene: GABRA2 (gamma-aminobutyric acid type A receptor subunit alpha2; minus strand). Cytogenetic location: 4p12.
Variant type: single nucleotide variant.
Coding change: c.1333C>T on transcript NM_000807.4 (MANE Select); coding-DNA position 1333, C replaced by T.
Protein change: p.Pro445Ser; replaces proline 445 with serine.
Molecular consequence: missense variant.
Genome position (GRCh38, 1-based): chr4:46,250,331, G>A on the plus strand (C>T on the coding strand, the complement: GABRA2 is on the minus strand). VCF-style: chr4-46250331-G-A. GRCh37 (hg19) VCF-style: chr4-46252348-G-A.
Other names: c.1333C>T, p.Pro445Ser (NM_001114175.3, NM_001377146.1, NM_001377147.1 and 4 more transcripts); c.1348C>T, p.Pro450Ser (NM_001286827.3); c.1513C>T, p.Pro505Ser (NM_001330690.2, NM_001377144.1, NM_001377145.1); c.1168C>T, p.Pro390Ser (NM_001377152.1, NM_001377153.1, NM_001377154.1); short protein forms P390S, P445S, P450S, P505S.
Identifiers: ClinVar variation 1699849 (VCV001699849.2), dbSNP rs2109372400, ClinGen allele CA356802136.

ClinVar aggregate classification (germline): Uncertain significance (1 of 4 stars; one submission).

Submission:

GeneDx
Classification: Uncertain significance. Last evaluated: 2022-01-26. Review status: criteria provided, single submitter. Criteria: GeneDx Variant Classification Process June 2021. Collection method: clinical testing. Allele origin: germline. Affected: yes.
Comment: Not observed at significant frequency in large population cohorts (gnomAD); In silico analysis supports that this missense variant does not alter protein structure/function; Has not been previously published as pathogenic or benign to our knowledge